The following is an entry in ClinVar:

NM_001848.3(COL6A1):c.930+137_963delinsGTGGC

Gene: COL6A1 (collagen type VI alpha 1 chain; plus strand). Cytogenetic location: 21q22.3.
Variant type: Indel.
Coding change: c.930+137_963delinsGTGGC on transcript NM_001848.3 (MANE Select); 137 bases into the intron after coding-DNA position 930 through coding-DNA position 963, the reference bases replaced by GTGGC.
Molecular consequence: splice acceptor variant, splice donor variant.
Genome position (GRCh38, 1-based): chr21:45,989,915-45,990,383, 469 bases replaced. GRCh37 (hg19): chr21:47,409,829-47,410,297.
Identifiers: ClinVar variation 4713638 (VCV004713638.1).

ClinVar aggregate classification (germline): Pathogenic (1 of 4 stars; one submission).

Conditions:
Bethlem myopathy 1A. Also called: MYOPATHY, BENIGN CONGENITAL, WITH CONTRACTURES; Bethlem myopathy 1; Bethlem Muscular Dystrophy. Identifiers: Orphanet 610, MedGen CN029274, MONDO:0024530, OMIM 158810.

Submission:

Labcorp Genetics (formerly Invitae), Labcorp
Classification: Pathogenic for Bethlem myopathy 1A. Last evaluated: 2025-03-27. Review status: criteria provided, single submitter. Criteria: Invitae Variant Classification Sherloc (09022015). Collection method: clinical testing. Allele origin: germline.
Comment: This variant results in the deletion of exon 12 and part of exon 13 (c.930+137_963delinsGTGGC) of the COL6A1 gene. It is expected to disrupt RNA splicing. Variants that disrupt the donor or acceptor splice site typically lead to a loss of protein function (PMID: 16199547), and loss-of-function variants in COL6A1 are known to be disease-causing for autosomal recessive COL6A1-related conditions (PMID: 21280092, 20976770). However, certain variants affecting donor or acceptor splice sites in the triple helical domain of COL6A1 are expected to result in in-frame exon skipping and have been reported to cause autosomal dominant COL6A1-related conditions (PMID: 18366090). This variant is not present in population databases (gnomAD no frequency). This variant has been observed in individual(s) with clinical features of autosomal dominant COL6A1-related conditions (internal data). In at least one individual the variant was observed to be de novo. This variant disrupts the triple helix domain of COL6A1. Glycine residues within the Gly-Xaa-Yaa repeats of the triple helix domain are required for the structure and stability of fibrillar collagens (PMID: 7695699, 8218237, 19344236). In COL6A1, variants at these glycine residues are significantly enriched in individuals with autosomal dominant disease (PMID: 15689448, 24038877) compared to the general population (ExAC). For these reasons, this variant has been classified as Pathogenic.

Literature cited by the submitters: PubMed 16199547; PubMed 21280092; PubMed 20976770; PubMed 18366090; PubMed 7695699; PubMed 8218237; PubMed 19344236; PubMed 15689448; PubMed 24038877.